The following is an entry in ClinVar:

NM_002778.4(PSAP):c.249+10G>A

Gene: PSAP (prosaposin; minus strand). Cytogenetic location: 10q22.1.
Variant type: single nucleotide variant.
Coding change: c.249+10G>A on transcript NM_002778.4 (MANE Select); 10 bases into the intron after coding-DNA position 249, G replaced by A.
Molecular consequence: intron variant.
Genome position (GRCh38, 1-based): chr10:71,831,836, C>T on the plus strand (G>A on the coding strand, the complement: PSAP is on the minus strand). VCF-style: chr10-71831836-C-T. GRCh37 (hg19) VCF-style: chr10-73591593-C-T.
Other names: c.249+10G>A (NM_001042466.3, NM_001042465.3, NM_002778.3).
Identifiers: ClinVar variation 1127643 (VCV001127643.11), dbSNP rs1454831195, ClinGen allele CA594310664.

ClinVar aggregate classification (germline): Likely benign. Review status: criteria provided, single submitter (1 of 4 stars). 2 submissions from 2 submitters: Likely benign (1). 1 of the submissions does not count toward it. Last evaluated 2026-01-18.

Conditions:
Sphingolipid activator protein 1 deficiency. Also called: Saposin B Deficiency; Metachromatic leukodystrophy due to saposin B deficiency; METACHROMATIC LEUKODYSTROPHY DUE TO CEREBROSIDE SULFATASE ACTIVATOR DEFICIENCY. Identifiers: Orphanet 512, MedGen C0268262, MONDO:0009590, OMIM 249900.
PSAP-related disorder. Also called: PSAP-related condition.

Allele frequency attached by ClinVar (database versions not stated): gnomAD 0.00001; gnomAD exomes 0.00001; TOPMed 0.00001.
gnomAD v4.1: 11 of 1,613,582 alleles (0.00068%); highest among the groups gnomAD compares: South Asian, 0.0044%; no homozygotes.

Submissions (2):

Labcorp Genetics (formerly Invitae), Labcorp
Classification: Likely benign for Sphingolipid activator protein 1 deficiency. Last evaluated: 2026-01-18. Review status: criteria provided, single submitter. Criteria: Invitae Variant Classification Sherloc (09022015). Collection method: clinical testing. Allele origin: germline.

PreventionGenetics, part of Exact Sciences
Classification: Likely benign for PSAP-related condition. Last evaluated: 2019-08-12. Review status: no assertion criteria provided. Collection method: clinical testing. Allele origin: germline. Not counted in ClinVar's aggregate classification.
Comment: This variant is classified as likely benign based on ACMG/AMP sequence variant interpretation guidelines (Richards et al. 2015 PMID: 25741868, with internal and published modifications).